The following is an entry in ClinVar:

NM_000193.4(SHH):c.1060A>G (p.Ile354Val)

Gene: SHH (sonic hedgehog signaling molecule; minus strand). Cytogenetic location: 7q36.3.
Variant type: single nucleotide variant.
Coding change: c.1060A>G on transcript NM_000193.4 (MANE Select); coding-DNA position 1060, A replaced by G.
Protein change: p.Ile354Val; replaces isoleucine 354 with valine.
Molecular consequence: missense variant. On other transcripts: intron variant (1).
Genome position (GRCh38, 1-based): chr7:155,803,229, T>C on the plus strand (A>G on the coding strand, the complement: SHH is on the minus strand). VCF-style: chr7-155803229-T-C. GRCh37 (hg19) VCF-style: chr7-155595923-T-C.
Other names: c.302-2984A>G (NM_001310462.2); short protein forms I354V.
Identifiers: ClinVar variation 391818 (VCV000391818.3), dbSNP rs1057524243, ClinGen allele CA16605206.
Genomic context (GRCh38, chr7:155,803,229, plus strand): 5'-GCGCCCAGCTGTGCTCCTCGATGACCGCGTAGCACGAGGCCAGCACCCGGTTGATGAGAA[T>C]GGTGCCCTGGGCCGTGAGCGGCGCGTAGGCGCCCGCGGCCTCCTCGCTTAGGGTCACGCT-3'
Protein context (NP_000184.1, residues 344-364): AYAPLTAQGT[Ile354Val]LINRVLASCY

ClinVar aggregate classification (germline): Uncertain significance. Review status: criteria provided, multiple submitters, no conflicts (2 of 4 stars). 2 submissions from 2 submitters: Uncertain significance (2). Last evaluated 2025-10-18.

Conditions:
Inborn genetic diseases. Identifiers: MedGen C0950123, MeSH D030342.

Allele frequency attached by ClinVar (database versions not stated): TOPMed 0.00001.

Submissions (2):

Ambry Genetics
Classification: Uncertain significance for Inborn genetic diseases. Last evaluated: 2025-10-18. Review status: criteria provided, single submitter. Criteria: Ambry Variant Classification Scheme 2023. Collection method: clinical testing. Allele origin: germline.

GeneDx
Classification: Uncertain significance. Last evaluated: 2016-12-19. Review status: criteria provided, single submitter. Criteria: GeneDx Variant Classification (06012015). Collection method: clinical testing. Allele origin: germline. Affected: yes.
Comment: The I354V variant in the SHH gene has not been reported previously as a pathogenic variant, nor as a benign variant, to our knowledge. The I354V variant was not observed in the Exome Aggregation Consortium (ExAC) data set, indicating it is not a common benign variant. The I354V variant is a conservative amino acid substitution, which is not likely to impact secondary protein structure as these residues share similar properties. In addition, this substitution occurs at a position where amino acids with similar properties to Isoleucine are tolerated across species. However, in silico analysis is inconsistent in its predictions as to whether or not the variant is damaging to the protein structure/function. Functional studies of a missense variant at the same residue (I354T) indicated severely diminished production of active N-terminal SHH and no SHH signaling activity in a reporter cell-based assay (Traiffort et al., 2004). We interpret I354V as a variant of uncertain significance.